The following is an entry in ClinVar:

NM_001830.4(CLCN4):c.2135C>T (p.Thr712Met)

Gene: CLCN4 (Cl-/H+ antiporter 4; plus strand). Cytogenetic location: Xp22.2.
Variant type: single nucleotide variant.
Coding change: c.2135C>T on transcript NM_001830.4 (MANE Select); coding-DNA position 2135, C replaced by T.
Protein change: p.Thr712Met; replaces threonine 712 with methionine.
Molecular consequence: missense variant.
Genome position (GRCh38, 1-based): chrX:10,220,820, C>T. VCF-style: chrX-10220820-C-T. GRCh37 (hg19) VCF-style: chrX-10188860-C-T.
Other names: c.1853C>T, p.Thr618Met (NM_001256944.2); short protein forms T618M, T712M.
Identifiers: ClinVar variation 4805915 (VCV004805915.1).

ClinVar aggregate classification (germline): Uncertain significance (1 of 4 stars; one submission).

Submission:

Labcorp Genetics (formerly Invitae), Labcorp
Classification: Uncertain significance. Last evaluated: 2025-03-25. Review status: criteria provided, single submitter. Criteria: Invitae Variant Classification Sherloc (09022015). Collection method: clinical testing. Allele origin: germline.
Comment: This sequence change replaces threonine, which is neutral and polar, with methionine, which is neutral and non-polar, at codon 712 of the CLCN4 protein (p.Thr712Met). This variant is not present in population databases (gnomAD no frequency). This variant has not been reported in the literature in individuals affected with CLCN4-related conditions. Invitae Evidence Modeling of protein sequence and biophysical properties (such as structural, functional, and spatial information, amino acid conservation, physicochemical variation, residue mobility, and thermodynamic stability) has been performed for this missense variant. However, the output from this modeling did not meet the statistical confidence thresholds required to predict the impact of this variant on CLCN4 protein function. In summary, the available evidence is currently insufficient to determine the role of this variant in disease. Therefore, it has been classified as a Variant of Uncertain Significance.